The following is an entry in ClinVar:

NM_005726.6(TSFM):c.886T>A (p.Leu296Met)

Gene: TSFM (Ts translation elongation factor, mitochondrial; plus strand). Cytogenetic location: 12q14.1.
Variant type: single nucleotide variant.
Coding change: c.886T>A on transcript NM_005726.6 (MANE Select); coding-DNA position 886, T replaced by A.
Protein change: p.Leu296Met; replaces leucine 296 with methionine.
Molecular consequence: missense variant. On other transcripts: 3 prime UTR variant (1), intron variant (1).
Genome position (GRCh38, 1-based): chr12:57,796,491, T>A. VCF-style: chr12-57796491-T-A. GRCh37 (hg19) VCF-style: chr12-58190274-T-A.
Other names: c.*294T>A (NM_001172695.2); c.949T>A, p.Leu317Met (NM_001172696.2); c.571+3418T>A (NM_001172697.2); short protein forms L296M, L317M.
Identifiers: ClinVar variation 1467477 (VCV001467477.6), dbSNP rs758974048, ClinGen allele CA385531942.

ClinVar aggregate classification (germline): Uncertain significance (1 of 4 stars; one submission).

Submission:

Labcorp Genetics (formerly Invitae), Labcorp
Classification: Uncertain significance. Last evaluated: 2021-08-07. Review status: criteria provided, single submitter. Criteria: Invitae Variant Classification Sherloc (09022015). Collection method: clinical testing. Allele origin: germline.
Comment: This sequence change replaces leucine with methionine at codon 317 of the TSFM protein (p.Leu317Met). The leucine residue is moderately conserved and there is a small physicochemical difference between leucine and methionine. This variant has not been reported in the literature in individuals affected with TSFM-related conditions. This variant is not present in population databases (ExAC no frequency). In summary, the available evidence is currently insufficient to determine the role of this variant in disease. Therefore, it has been classified as a Variant of Uncertain Significance. Algorithms developed to predict the effect of missense changes on protein structure and function are either unavailable or do not agree on the potential impact of this missense change (SIFT: "Deleterious"; PolyPhen-2: "Probably Damaging"; Align-GVGD: "Class C0").